The following is an entry in ClinVar:

NM_003742.4(ABCB11):c.589dup (p.Glu197fs)

Gene: ABCB11 (ATP binding cassette subfamily B member 11; minus strand). Cytogenetic location: 2q31.1.
Variant type: Duplication.
Coding change: c.589dup on transcript NM_003742.4 (MANE Select); coding-DNA position 589, one base duplicated (G; older notation c.589dupG).
Protein change: p.Glu197fs; shifts the reading frame from glutamic acid 197.
Molecular consequence: frameshift variant.
Genome position (GRCh38, 1-based): chr2:168,995,371, C duplicated on the plus strand (G on the coding strand, the reverse complement: ABCB11 is on the minus strand); the first of 5 consecutive C bases (chr2:168,995,371-168,995,375); duplicating any one gives the same sequence. VCF-style (leftmost placement, unchanged base first): chr2-168995370-T-TC. GRCh37 (hg19) VCF-style: chr2-169851880-T-TC.
Other names: short protein forms E197fs.
Identifiers: ClinVar variation 4845983 (VCV004845983.1).

ClinVar aggregate classification (germline): Pathogenic (1 of 4 stars; one submission).

Conditions:
Familial intrahepatic cholestasis. Identifiers: Orphanet 284385, MedGen CN296401, MONDO:0017290.

Submission:

Genomenon, Inc
Classification: Pathogenic for Familial intrahepatic cholestasis. Last evaluated: 2026-04-14. Review status: criteria provided, single submitter. Criteria: Genomenon Sequence Variant Interpretation Standards - Updated. Collection method: curation. Allele origin: germline. Affected: yes.
Comment: ABCB11 p.Glu197GlyfsTer8 (c.589dup) is a frameshift variant that results in the production of a truncated protein which is predicted to undergo nonsense-mediated mRNA decay. This variant has been observed in at least one proband with an ABCB11-related disorder (PMID:32087350). It is absent or not present at a significant frequency in gnomAD. In conclusion, we classify ABCB11 p.Glu197GlyfsTer8 (c.589dup) as a pathogenic variant.

Literature cited by the submitters: PubMed 32087350.